The following is an entry in ClinVar:

NM_032243.6(TXNDC2):c.852C>T (p.Thr284=)

Gene: TXNDC2 (thioredoxin domain containing 2; plus strand). Cytogenetic location: 18p11.22.
Variant type: single nucleotide variant.
Coding change: c.852C>T on transcript NM_032243.6 (MANE Select); coding-DNA position 852, C replaced by T.
Protein change: p.Thr284=; no amino-acid change (threonine 284 retained).
Molecular consequence: synonymous variant.
Genome position (GRCh38, 1-based): chr18:9,887,532, C>T. VCF-style: chr18-9887532-C-T. GRCh37 (hg19) VCF-style: chr18-9887529-C-T.
Other names: c.1053C>T, p.Thr351= (NM_001098529.2); c.852C>T, p.Thr284= (NM_001098530.1).
Identifiers: ClinVar variation 2648571 (VCV002648571.24), dbSNP rs369981056, ClinGen allele CA8890433.

ClinVar aggregate classification (germline): Likely benign (1 of 4 stars; one submission).

Allele frequency attached by ClinVar (database versions not stated): ESP Exome Variant Server 0.00008.

Submission:

CeGaT Center for Human Genetics Tuebingen
Classification: Likely benign. Last evaluated: 2026-09-01. Review status: criteria provided, single submitter. Criteria: CeGaT Center For Human Genetics Tuebingen Variant Classification Criteria Version 2. Collection method: clinical testing. Allele origin: germline. Affected: yes. Observed: 4 variant alleles.
Comment: TXNDC2: BP4, BP7